The following is an entry in ClinVar:

ClinVar aggregate classification (germline): Pathogenic. Review status: criteria provided, multiple submitters, no conflicts (2 of 4 stars). 2 submissions from 2 submitters: Pathogenic (2). Last evaluated 2025-07-10.

Conditions:
Xeroderma pigmentosum group A (XPA). Also called: XPA-Related Xeroderma Pigmentosum; Xeroderma pigmentosum, complementation group A; XP, group A. Identifiers: Orphanet 910, MedGen C0268135, MONDO:0010210, OMIM 278700.

Submissions (2):

Myriad Genetics, Inc.
Classification: Pathogenic for Xeroderma pigmentosum group A. Last evaluated: 2025-07-10. Review status: criteria provided, single submitter. Criteria: Myriad Autosomal Dominant, Autosomal Recessive and X-Linked Classification Criteria (2023). Collection method: clinical testing. Allele origin: unknown.
Comment: NM_000380.3(XPA):c.640dupA(M214Nfs*7) is a frameshift variant classified as pathogenic in the context of xeroderma pigmentosum group A. M214Nfs*7 has been observed in cases with relevant disease (PMID: 26884178, 39129919). Relevant functional assessments of this variant are not available in the literature. M214Nfs*7 has been observed in referenced population frequency databases. In summary, NM_000380.3(XPA):c.640dupA(M214Nfs*7) is a frameshift variant in a gene where loss of function is a known mechanism of disease, is predicted to disrupt protein function, and has been observed more frequently in cases with the relevant disease than in healthy populations. Please note: this variant was assessed in the context of healthy population screening.

Victorian Clinical Genetics Services, Murdoch Childrens Research Institute
Classification: Pathogenic for Xeroderma pigmentosum group A. Last evaluated: 2020-05-21. Review status: criteria provided, single submitter. Criteria: ACMG Guidelines, 2015. Collection method: clinical testing. Allele origin: germline. Inheritance: Autosomal recessive inheritance.
Comment: Based on the classification scheme VCGS_Germline_v0.6.1, this variant is classified as Pathogenic. Following criteria are met: 0102 - Loss-of-function is a known mechanism of disease for this gene. (N) 0106 - This gene is known to be associated with autosomal recessive disease. (N) 0205 - Variant is predicted to result in a truncated protein with less than 1/3 of the protein affected (exon 5 of 6). (P) 0301 - Variant is absent from gnomAD. (P) 0701 – Multiple comparable variants have very strong previous evidence for pathogenicity. ClinVar has more than 5 truncated protein reported pathogenic. (P) 0803 - Low previous evidence of pathogenicity in unrelated individuals (1 homozygous patient reported with XPA; PMID:26884178). (P) 0905 - No segregation evidence has been identified for this variant. (N) 1007 - No published functional evidence has been identified for this variant. (N) 1201 - Heterozygous variant detected in trans with a second pathogenic heterozygous variant in a recessive disease. (P) Legend: (P) - Pathogenic, (N) - Neutral, (B) - Benign

Literature cited by the submitters: PubMed 26884178 (cited by Myriad Genetics, Inc. and Victorian Clinical Genetics Services, Murdoch Childrens Research Institute); PubMed 39129919 (cited by Myriad Genetics, Inc.).

NM_000380.4(XPA):c.640dup (p.Met214fs)

Gene: XPA (XPA, DNA damage recognition and repair factor; minus strand). Cytogenetic location: 9q22.33.
Variant type: Duplication.
Coding change: c.640dup on transcript NM_000380.4 (MANE Select); coding-DNA position 640, one base duplicated (A; older notation c.640dupA).
Protein change: p.Met214fs; shifts the reading frame from methionine 214.
Molecular consequence: frameshift variant. On other transcripts: non-coding transcript variant (5).
Genome position (GRCh38, 1-based): chr9:97,684,956, T duplicated on the plus strand (A on the coding strand, the reverse complement: XPA is on the minus strand); the first of 6 consecutive T bases (chr9:97,684,956-97,684,961); duplicating any one gives the same sequence. VCF-style (leftmost placement, unchanged base first): chr9-97684955-A-AT. GRCh37 (hg19) VCF-style: chr9-100447237-A-AT.
Other names: c.514dup, p.Met172fs (NM_001354975.2); c.640dupA (NM_000380.3); short protein forms M172fs, M214fs.
Identifiers: ClinVar variation 1805601 (VCV001805601.2), dbSNP rs1405271436, ClinGen allele CA589324168.